The following is an entry in ClinVar:

NM_000138.5(FBN1):c.4520G>T (p.Gly1507Val)

Gene: FBN1 (fibrillin 1; minus strand). Cytogenetic location: 15q21.1.
Variant type: single nucleotide variant.
Coding change: c.4520G>T on transcript NM_000138.5 (MANE Select); coding-DNA position 4520, G replaced by T.
Protein change: p.Gly1507Val; replaces glycine 1507 with valine.
Molecular consequence: missense variant.
Genome position (GRCh38, 1-based): chr15:48,468,474, C>A on the plus strand (G>T on the coding strand, the complement: FBN1 is on the minus strand). VCF-style: chr15-48468474-C-A. GRCh37 (hg19) VCF-style: chr15-48760671-C-A.
Other names: short protein forms G1507V.
Identifiers: ClinVar variation 519730 (VCV000519730.8), dbSNP rs794728225, ClinGen allele CA392353568.

ClinVar aggregate classification (germline): Likely pathogenic. Review status: criteria provided, multiple submitters, no conflicts (2 of 4 stars). 2 submissions from 2 submitters: Likely pathogenic (2). Last evaluated 2026-01-26.

Conditions:
Familial thoracic aortic aneurysm and aortic dissection (TAAD). Also called: Thoracic aortic aneurysms and dissections. Identifiers: Orphanet 91387, MedGen C4707243, MONDO:0019625.

Submissions (2):

Ambry Genetics
Classification: Likely pathogenic for Familial thoracic aortic aneurysm and aortic dissection. Last evaluated: 2026-01-26. Review status: criteria provided, single submitter. Criteria: Ambry Variant Classification Scheme 2023. Collection method: clinical testing. Allele origin: germline.
Comment: The p.G1507V variant (also known as c.4520G>T), located in coding exon 36 of the FBN1 gene, results from a G to T substitution at nucleotide position 4520. The glycine at codon 1507 is replaced by valine, an amino acid with dissimilar properties. This variant was reported in individual(s) with features consistent with Marfan syndrome and related fibrillinopathies (Ambry internal data). Another variant(s) at the same codon, p.G1507D (c.4520G>A), has been identified in individual(s) with features consistent with Marfan syndrome and related fibrillinopathies (Gezdirici A et al. J Hum Genet, 2021 Jul;66:647-657). This variant alters a critical glycine in a sterically constrained region and is expected to disrupt FBN1 function (Van Kien PK et al. Hum Mutat. 2010;31(1):E1021-42). This amino acid position is highly conserved in available vertebrate species. In addition, this alteration is predicted to be deleterious by in silico analysis. This variant is considered to be rare based on population cohorts in the Genome Aggregation Database (gnomAD). Based on the majority of available evidence to date, this variant is likely to be pathogenic.

Clinical Genetics Laboratory, Skane University Hospital Lund
Classification: Likely pathogenic. Last evaluated: 2024-12-20. Review status: criteria provided, single submitter. Criteria: ACMG Guidelines, 2015. Collection method: clinical testing. Allele origin: germline. Affected: yes.